The following is an entry in ClinVar:

ClinVar aggregate classification (germline): Pathogenic/Likely pathogenic. Review status: criteria provided, multiple submitters, no conflicts (2 of 4 stars). 2 submissions from 2 submitters: Pathogenic (1); Likely pathogenic (1). Last evaluated 2025-09-02.

Conditions:
Hereditary cancer-predisposing syndrome. Also called: Neoplastic Syndromes, Hereditary; Tumor predisposition; Hereditary Cancer Syndrome; Hereditary neoplastic syndrome. Identifiers: Orphanet 140162, MedGen C0027672, MeSH D009386, MONDO:0015356.
DICER1-related tumor predisposition. Also called: DICER1 syndrome; DICER1-related pleuropulmonary blastoma cancer predisposition syndrome. Identifiers: Orphanet 284343, MedGen C3839822, MONDO:0100216.

Submissions (2):

Ambry Genetics
Classification: Pathogenic for Hereditary cancer-predisposing syndrome. Last evaluated: 2025-09-02. Review status: criteria provided, single submitter. Criteria: Ambry Variant Classification Scheme 2023. Collection method: clinical testing. Allele origin: germline.
Comment: The c.2412delA pathogenic mutation, located in coding exon 14 of the DICER1 gene, results from a deletion of one nucleotide at nucleotide position 2412, causing a translational frameshift with a predicted alternate stop codon (p.L805*). This variant was reported in individual(s) with features consistent with DICER1-related tumor predisposition syndrome (Ambry internal data). This variant is considered to be rare based on population cohorts in the Genome Aggregation Database (gnomAD). This alteration is expected to result in loss of function by premature protein truncation or nonsense-mediated mRNA decay. As such, this alteration is interpreted as a disease-causing mutation.

Institute for Genomic Medicine (IGM) Clinical Laboratory, Nationwide Children's Hospital
Classification: Likely pathogenic for DICER1-related tumor predisposition. Last evaluated: 2025-07-17. Review status: criteria provided, single submitter. Criteria: ACMG Guidelines, 2015. Collection method: clinical testing. Allele origin: germline.
Comment: This variant is predicted to result in loss of function through nonsense-mediated decay of the encoded transcript or premature truncation of the encoded protein in a gene in which loss of function is a known mechanism of disease (ACMG/AMP: PVS1; PMIDs:26925222, 31342592). This variant is absent from or present at an exceedingly low frequency in gnomAD, a large-scale control population database (ACMG/AMP: PM2).

Literature cited by the submitters: PubMed 26925222 (cited by Institute for Genomic Medicine (IGM) Clinical Laboratory, Nationwide Children's Hospital); PubMed 31342592 (cited by Institute for Genomic Medicine (IGM) Clinical Laboratory, Nationwide Children's Hospital).

NM_177438.3(DICER1):c.2412del (p.Ile804_Leu805insTer)

Gene: DICER1 (dicer 1, ribonuclease III; minus strand). Cytogenetic location: 14q32.13.
Variant type: Deletion.
Coding change: c.2412del on transcript NM_177438.3 (MANE Select); coding-DNA position 2412, one base deleted (A; older notation c.2412delA).
Protein change: p.Ile804_Leu805insTer.
Molecular consequence: frameshift variant. On other transcripts: non-coding transcript variant (6).
Genome position (GRCh38, 1-based): chr14:95,108,348, T deleted on the plus strand (A on the coding strand, the reverse complement: DICER1 is on the minus strand). VCF-style (leftmost placement, unchanged base first): chr14-95108347-GT-G. GRCh37 (hg19) VCF-style: chr14-95574684-GT-G.
Other names: c.2412del, p.Ile804_Leu805insTer (NM_001195573.1, NM_001271282.3, NM_001291628.2 and 12 more transcripts); c.2130del, p.Ile710_Leu711insTer (NM_001395686.1); c.2007del, p.Ile669_Leu670insTer (NM_001395687.1, NM_001395688.1, NM_001395689.1 and 2 more transcripts); c.1845del, p.Ile615_Leu616insTer (NM_001395691.1); c.729del, p.Ile243_Leu244insTer (NM_001395697.1).
Identifiers: ClinVar variation 4240526 (VCV004240526.2).